The following is an entry in ClinVar:

ClinVar aggregate classification (germline): Likely pathogenic. Review status: criteria provided, single submitter (1 of 4 stars). 2 submissions from 2 submitters: Likely pathogenic (1). 1 of the submissions does not count toward it. Last evaluated 2020-06-15.

Conditions:
Hereditary spastic paraplegia 30. Identifiers: Orphanet 101010, MedGen C5235139, MONDO:0012476.

Submissions (2):

SIB Swiss Institute of Bioinformatics
Classification: Likely pathogenic for Spastic paraplegia 30A, autosomal dominant. Last evaluated: 2020-06-15. Review status: criteria provided, single submitter. Criteria: ACMG Guidelines, 2015. Collection method: curation. Allele origin: unknown.
Comment: This variant is interpreted as likely pathogenic for spastic paraplegia 30, autosomal dominant. The following ACMG Tag(s) were applied: Absent from controls (or at extremely low frequency if recessive) in Exome Sequencing Project, 1000 Genomes Project, or Exome Aggregation Consortium (PM2); Predicted nullvariant in a gene where LOF is a known mechanism of disease (PVS1 downgraded to strong).

OMIM
Classification: Pathogenic for SPASTIC PARAPLEGIA 30A, AUTOSOMAL DOMINANT. Last evaluated: 2024-07-05. Review status: no assertion criteria provided. Collection method: literature only. Allele origin: germline. Not counted in ClinVar's aggregate classification.

Literature cited by the submitters: PubMed 31488895 (cited by SIB Swiss Institute of Bioinformatics and OMIM).

NM_001244008.2(KIF1A):c.1894C>T (p.Gln632Ter)

Gene: KIF1A (kinesin family member 1A; minus strand). Cytogenetic location: 2q37.3.
Variant type: single nucleotide variant.
Coding change: c.1894C>T on transcript NM_001244008.2 (MANE Select); coding-DNA position 1894, C replaced by T.
Protein change: p.Gln632Ter; replaces glutamine 632 with a stop codon.
Molecular consequence: nonsense.
Genome position (GRCh38, 1-based): chr2:240,763,221, G>A on the plus strand (C>T on the coding strand, the complement: KIF1A is on the minus strand). VCF-style: chr2-240763221-G-A. GRCh37 (hg19) VCF-style: chr2-241702638-G-A.
Other names: c.1894C>T, p.Gln632Ter (NM_001320705.2, NM_001330289.2, NM_001379638.1); c.1969C>T, p.Gln657Ter (NM_001330290.2, NM_001379631.1, NM_001379634.1 and 2 more transcripts); c.1867C>T, p.Gln623Ter (NM_001379632.1, NM_001379633.1, NM_001379636.1 and 10 more transcripts); c.1942C>T, p.Gln648Ter (NM_001379637.1, NM_001379648.1); c.1867C>T (NM_001244008.1); short protein forms Q623*, Q632*, Q657*, Q648*.
Identifiers: ClinVar variation 869124 (VCV000869124.3), dbSNP rs2050749062, ClinGen allele CA351327047.